The following is an entry in ClinVar:

NM_001243133.2(NLRP3):c.2336G>A (p.Gly779Asp)

Gene: NLRP3 (NLR family pyrin domain containing 3; plus strand). Cytogenetic location: 1q44.
Variant type: single nucleotide variant.
Coding change: c.2336G>A on transcript NM_001243133.2 (MANE Select); coding-DNA position 2336, G replaced by A.
Protein change: p.Gly779Asp; replaces glycine 779 with aspartic acid.
Molecular consequence: missense variant.
Genome position (GRCh38, 1-based): chr1:247,434,117, G>A. VCF-style: chr1-247434117-G-A. GRCh37 (hg19) VCF-style: chr1-247597419-G-A.
Other names: c.2336G>A, p.Gly779Asp (NM_001079821.3, NM_001127461.3); c.2165G>A, p.Gly722Asp (NM_001127462.3, NM_183395.3); c.2342G>A, p.Gly781Asp (NM_004895.5); short protein forms G722D, G779D, G781D.
Identifiers: ClinVar variation 995662 (VCV000995662.18), dbSNP rs768252357, ClinGen allele CA1495218.

ClinVar aggregate classification (germline): Uncertain significance. Review status: criteria provided, multiple submitters, no conflicts (2 of 4 stars). 4 submissions from 4 submitters: Uncertain significance (4). Last evaluated 2024-04-04.

Conditions:
Familial amyloid nephropathy with urticaria AND deafness (MWS). Also called: CRYOPYRIN-ASSOCIATED PERIODIC SYNDROME 2; UDA SYNDROME; URTICARIA-DEAFNESS-AMYLOIDOSIS SYNDROME; MUCKLE-WELLS SYNDROME; Urticaria, deafness and amyloidosis. Identifiers: Orphanet 575, MedGen C0268390, MONDO:0008633, OMIM 191900.
Keratitis fugax hereditaria. Also called: KERATOENDOTHELIITIS FUGAX HEREDITARIA. Identifiers: Orphanet 647815, MedGen C1835697, MONDO:0007849, OMIM 148200.
Familial cold autoinflammatory syndrome 1 (FCAS1). Also called: Familial cold inflammatory syndrome 1; CRYOPYRIN-ASSOCIATED PERIODIC SYNDROME 1. Identifiers: Orphanet 47045, MedGen C4551895, MONDO:0007349, OMIM 120100.
Hearing loss, autosomal dominant 34, with or without inflammation. Also called: DEAFNESS, AUTOSOMAL DOMINANT 34, WITH OR WITHOUT INFLAMMATION. Identifiers: MedGen C4521680, MONDO:0033261, OMIM 617772.
Chronic infantile neurological, cutaneous and articular syndrome (CINCA). Also called: CRYOPYRIN-ASSOCIATED PERIODIC SYNDROME 3; CINCA syndrome; CHRONIC NEUROLOGIC CUTANEOUS AND ARTICULAR SYNDROME; Prieur Griscelli syndrome. Identifiers: Orphanet 1451, MedGen C0409818, MONDO:0011776, OMIM 607115.
Cryopyrin associated periodic syndrome (CAPS). Identifiers: Orphanet 208650, MedGen C2316212, MONDO:0016168.

Allele frequency attached by ClinVar (database versions not stated): TOPMed 0.00001; ExAC 0.00002; gnomAD exomes 0.00002.

Submissions (4):

Labcorp Genetics (formerly Invitae), Labcorp
Classification: Uncertain significance for Cryopyrin associated periodic syndrome. Last evaluated: 2024-04-04. Review status: criteria provided, single submitter. Criteria: Invitae Variant Classification Sherloc (09022015). Collection method: clinical testing. Allele origin: germline.
Comment: This sequence change replaces glycine, which is neutral and non-polar, with aspartic acid, which is acidic and polar, at codon 781 of the NLRP3 protein (p.Gly781Asp). This variant is present in population databases (rs768252357, gnomAD 0.01%). This variant has not been reported in the literature in individuals affected with NLRP3-related conditions. ClinVar contains an entry for this variant (Variation ID: 995662). Advanced modeling of protein sequence and biophysical properties (such as structural, functional, and spatial information, amino acid conservation, physicochemical variation, residue mobility, and thermodynamic stability) has been performed at Invitae for this missense variant, however the output from this modeling did not meet the statistical confidence thresholds required to predict the impact of this variant on NLRP3 protein function. In summary, the available evidence is currently insufficient to determine the role of this variant in disease. Therefore, it has been classified as a Variant of Uncertain Significance.

Fulgent Genetics
Classification: Uncertain significance for Familial cold autoinflammatory syndrome 1; Keratitis fugax hereditaria; Familial amyloid nephropathy with urticaria AND deafness; Chronic infantile neurological, cutaneous and articular syndrome; Hearing loss, autosomal dominant 34, with or without inflammation. Last evaluated: 2022-01-04. Review status: criteria provided, single submitter. Criteria: ACMG Guidelines, 2015. Collection method: clinical testing. Allele origin: unknown.

GeneDx
Classification: Uncertain significance. Last evaluated: 2020-02-14. Review status: criteria provided, single submitter. Criteria: GeneDx Variant Classification Process June 2021. Collection method: clinical testing. Allele origin: germline. Affected: yes.
Comment: Observed in a patient with acquired cold urticaria in published literature who also harbored a variant in the PLCG2 gene (Deza et al., 2019); In silico analysis supports that this missense variant does not alter protein structure/function; This variant is associated with the following publications: (PMID: 31408184)

ARUP Laboratories, Molecular Genetics and Genomics, ARUP Laboratories
Classification: Uncertain significance. Last evaluated: 2020-01-31. Review status: criteria provided, single submitter. Criteria: ARUP Molecular Germline Variant Investigation Process. Collection method: clinical testing. Allele origin: germline.
Comment: The NLRP3 c.2342G>A; p.Gly781Asp variant (rs768252357), to our knowledge, is not reported in the medical literature or gene specific databases. However, another variant at this codon (c.2342G>T; p.Gly781Val) has been reported in an individual with cryopyrin-associated periodic syndrome (Omoyinmi 2017). The p.Gly781Asp variant is only observed on six alleles in the Genome Aggregation Database, indicating it is not a common polymorphism. The glycine at codon 781 is weakly conserved, and computational analyses (SIFT: tolerated, PolyPhen-2: possibly damaging) predict conflicting effects of this variant on protein structure/function. Due to limited information, the clinical significance of the p.Gly781Asp variant is uncertain at this time. References: Omoyinmi E et al. Clinical impact of a targeted next-generation sequencing gene panel for autoinflammation and vasculitis. PLoS One. 2017 Jul 27;12(7):e0181874.